The following is an entry in ClinVar:

ClinVar aggregate classification (germline): Conflicting classifications of pathogenicity. Review status: criteria provided, conflicting classifications (1 of 4 stars). 6 submissions from 6 submitters: Uncertain significance (3); Likely benign (1). 2 of the submissions do not count toward it. Last evaluated 2024-03-28.

Conditions:
BRCA2-related cancer predisposition. Identifiers: MedGen CN377758, MONDO:0700269.
Hereditary cancer-predisposing syndrome. Also called: Tumor predisposition; Neoplastic Syndromes, Hereditary; Hereditary neoplastic syndrome; Hereditary Cancer Syndrome. Identifiers: Orphanet 140162, MedGen C0027672, MeSH D009386, MONDO:0015356.
Breast-ovarian cancer, familial, susceptibility to, 2 (BROVCA2). Also called: BRCA2 Hereditary Breast and Ovarian Cancer. Identifiers: Orphanet 145, MedGen C2675520, MONDO:0012933, OMIM 612555. Disease mechanism: loss of function.

Allele frequency attached by ClinVar (database versions not stated): TOPMed below 0.00001; gnomAD 0.00001; gnomAD exomes 0.00004.

Submissions (6):

All of Us Research Program, National Institutes of Health
Classification: Uncertain significance for BRCA2-related cancer predisposition. Last evaluated: 2024-03-28. Review status: criteria provided, single submitter. Criteria: ACMG Guidelines, 2015. Collection method: clinical testing. Allele origin: germline. Inheritance: Autosomal dominant inheritance. Observed: 1 variant allele, 1 heterozygote.
Comment: This missense variant replaces lysine with arginine at codon 1132 of the BRCA2 protein. Computational prediction suggests that this variant may not impact protein structure and function (internally defined REVEL score threshold <= 0.5, PMID: 27666373). To our knowledge, functional studies have not been reported for this variant. This variant has been reported in individuals affected with breast cancer (PMID: 21218378, 19016756). This variant has not been identified in the general population by the Genome Aggregation Database (gnomAD). The available evidence is insufficient to determine the role of this variant in disease conclusively. Therefore, this variant is classified as a Variant of Uncertain Significance.

This study involves interpretation of variants in research participants for the purpose of population health screening. Participant phenotype was not available at the time of variant classification. Additional details can be found in publication PMID: 35346344, PMCID: PMC8962531

University of Washington Department of Laboratory Medicine, University of Washington
Classification: Likely benign for Hereditary cancer-predisposing syndrome. Last evaluated: 2023-03-23. Review status: criteria provided, single submitter. Criteria: Dines et al. (Genet Med. 2020). Collection method: curation. Allele origin: germline.
Comment: Missense variant in a coldspot region where missense variants are very unlikely to be pathogenic (PMID:31911673).

BRCA2 exon 11 coldspot. Reclassification based on statistical prior probability.

Revvity Omics, Revvity
Classification: Uncertain significance. Last evaluated: 2022-01-04. Review status: criteria provided, single submitter. Criteria: ACMG Guidelines, 2015. Collection method: clinical testing. Allele origin: germline.

Ambry Genetics
Classification: Uncertain significance for Hereditary cancer-predisposing syndrome. Last evaluated: 2015-06-30. Review status: criteria provided, single submitter. Criteria: Ambry Variant Classification Scheme 2023. Collection method: clinical testing. Allele origin: germline.
Comment: The c.3395_3396delAAinsGG variant (also known as p.K1132R), located in coding exon 10 of the BRCA2 gene, results from the insertion and deletion of two nucleotides from nucleotide position 3395 to 3396. The lysine at codon 1132 is replaced by arginine, an amino acid with highly similar properties. This amino acid position is well conserved in available vertebrate species. In addition, this alteration is predicted to be tolerated by in silico analysis. Since supporting evidence is limited at this time, the clinical significance of this alteration remains unclear.

Sharing Clinical Reports Project (SCRP)
Classification: Uncertain significance for Breast-ovarian cancer, familial 2. Last evaluated: 2007-12-13. Review status: no assertion criteria provided. Collection method: clinical testing. Allele origin: germline. Not counted in ClinVar's aggregate classification.

Breast Cancer Information Core (BIC) (BRCA2)
Classification: Uncertain significance for Breast-ovarian cancer, familial 2. Last evaluated: 2003-12-23. Review status: no assertion criteria provided. Collection method: clinical testing. Allele origin: germline. Affected: yes. Observed: 1 variant allele. Not counted in ClinVar's aggregate classification.

Literature cited by the submitters: PubMed 19016756 (cited by All of Us Research Program, National Institutes of Health); PubMed 21218378 (cited by All of Us Research Program, National Institutes of Health).

NM_000059.4(BRCA2):c.3395A>G (p.Lys1132Arg)

Gene: BRCA2 (BRCA2 DNA repair associated; plus strand). Cytogenetic location: 13q13.1.
Variant type: single nucleotide variant.
Coding change: c.3395A>G on transcript NM_000059.4 (MANE Select); coding-DNA position 3395, A replaced by G.
Protein change: p.Lys1132Arg; replaces lysine 1132 with arginine.
Molecular consequence: missense variant.
Genome position (GRCh38, 1-based): chr13:32,337,750, A>G. VCF-style: chr13-32337750-A-G. GRCh37 (hg19) VCF-style: chr13-32911887-A-G.
Other names: short protein forms K1132R.
Identifiers: ClinVar variation 37838 (VCV000037838.12), dbSNP rs80358582, ClinGen allele CA017914.
Genomic context (GRCh38, chr13:32,337,750, plus strand): 5'-CAGAACTTTCTACTATATTAGAAGAATCAGGAAGTCAGTTTGAATTTACTCAGTTTAGAA[A>G]ACCAAGCTACATATTGCAGAAGAGTACATTTGAAGTGCCTGAAAACCAGATGACTATCTT-3'
Protein context (NP_000050.3, residues 1122-1142): GSQFEFTQFR[Lys1132Arg]PSYILQKSTF